The following is an entry in ClinVar:

ClinVar aggregate classification (germline): Benign. Review status: criteria provided, multiple submitters, no conflicts (2 of 4 stars). 7 submissions from 6 submitters: Benign (7). Last evaluated 2026-02-02.

Conditions:
Chondrocalcinosis 2. Also called: CALCIUM GOUT; CALCIUM PYROPHOSPHATE ARTHROPATHY; Familial calcium pyrophosphate deposition. Identifiers: Orphanet 1416, MedGen C0856830, MONDO:0007319, OMIM 118600.
Craniometaphyseal dysplasia, autosomal dominant (CMDD). Identifiers: Orphanet 1522, MedGen C1852502, MONDO:0007397, OMIM 123000.

Allele frequency attached by ClinVar (database versions not stated): ESP Exome Variant Server 0.00092; gnomAD exomes 0.00406 and 0.01846; gnomAD 0.00755 and 0.00775; ExAC 0.01381; 1000 Genomes Project 0.01438; TOPMed 0.01459; 1000 Genomes Project 30x 0.01577.
gnomAD v4.1: 7,086 of 1,614,080 alleles (0.44%); highest among the groups gnomAD compares: Admixed American, 11%; 465 homozygotes.

Submissions (7):

Labcorp Genetics (formerly Invitae), Labcorp
Classification: Benign. Last evaluated: 2026-02-02. Review status: criteria provided, single submitter. Criteria: Invitae Variant Classification Sherloc (09022015). Collection method: clinical testing. Allele origin: germline.

Fulgent Genetics
Classification: Benign for Chondrocalcinosis 2; Craniometaphyseal dysplasia, autosomal dominant. Last evaluated: 2021-12-13. Review status: criteria provided, single submitter. Criteria: ACMG Guidelines, 2015. Collection method: clinical testing. Allele origin: unknown.

Genome-Nilou Lab
Classification: Benign for Craniometaphyseal dysplasia, autosomal dominant. Last evaluated: 2021-12-05. Review status: criteria provided, single submitter. Criteria: ACMG Guidelines, 2015. Collection method: clinical testing. Allele origin: germline. Affected: no.

GeneDx
Classification: Benign. Last evaluated: 2018-12-24. Review status: criteria provided, single submitter. Criteria: GeneDx Variant Classification Process June 2021. Collection method: clinical testing. Allele origin: germline. Affected: yes.

Illumina Laboratory Services, Illumina
Classification: Benign for Chondrocalcinosis 2. Last evaluated: 2018-01-13. Review status: criteria provided, single submitter. Criteria: ICSL Variant Classification Criteria 13 December 2019. Collection method: clinical testing. Allele origin: germline.
Comment: This variant was observed in the ICSL laboratory as part of a predisposition screen in an ostensibly healthy population. It had not been previously curated by ICSL or reported in the Human Gene Mutation Database (HGMD: prior to June 1st, 2018), and was therefore a candidate for classification through an automated scoring system. Utilizing variant allele frequency, disease prevalence and penetrance estimates, and inheritance mode, an automated score was calculated to assess if this variant is too frequent to cause the disease. Based on the score and internal cut-off values, a variant classified as benign is not then subjected to further curation. The score for this variant resulted in a classification of benign for this disease.

Illumina Laboratory Services, Illumina
Classification: Benign for Craniometaphyseal dysplasia, autosomal dominant. Last evaluated: 2018-01-13. Review status: criteria provided, single submitter. Criteria: ICSL Variant Classification Criteria 13 December 2019. Collection method: clinical testing. Allele origin: germline.
Comment: the same text as in the submission from Illumina Laboratory Services, Illumina above.

Breakthrough Genomics
Classification: Benign. Review status: criteria provided, single submitter. Criteria: ACMG Guidelines, 2015. Collection method: not provided. Allele origin: germline. Inheritance: Autosomal dominant inheritance. Affected: yes.

NM_054027.6(ANKH):c.688-14G>A

Gene: ANKH (ANKH inorganic pyrophosphate transport regulator; minus strand). Cytogenetic location: 5p15.2.
Variant type: single nucleotide variant.
Coding change: c.688-14G>A on transcript NM_054027.6 (MANE Select); 14 bases into the intron before coding-DNA position 688, G replaced by A.
Molecular consequence: intron variant.
Genome position (GRCh38, 1-based): chr5:14,749,320, C>T on the plus strand (G>A on the coding strand, the complement: ANKH is on the minus strand). VCF-style: chr5-14749320-C-T. GRCh37 (hg19) VCF-style: chr5-14749429-C-T.
Identifiers: ClinVar variation 351529 (VCV000351529.17), dbSNP rs187770990, ClinGen allele CA3209039.